The following is an entry in ClinVar:

ClinVar aggregate classification (germline): Uncertain significance. Review status: criteria provided, multiple submitters, no conflicts (2 of 4 stars). 2 submissions from 2 submitters: Uncertain significance (2). Last evaluated 2023-08-20.

Conditions:
Hereditary cancer-predisposing syndrome. Also called: Neoplastic Syndromes, Hereditary; Tumor predisposition; Hereditary Cancer Syndrome; Hereditary neoplastic syndrome. Identifiers: Orphanet 140162, MedGen C0027672, MeSH D009386, MONDO:0015356.

Allele frequency attached by ClinVar (database versions not stated): TOPMed below 0.00001; gnomAD exomes 0.00001 and 0.00002; ExAC 0.00002.
gnomAD v4.1: 8 of 1,613,052 alleles (0.0005%); highest among the groups gnomAD compares: Non-Finnish European, 0.00068%; no homozygotes.

Submissions (2):

Ambry Genetics
Classification: Uncertain significance for Hereditary cancer-predisposing syndrome. Last evaluated: 2023-08-20. Review status: criteria provided, single submitter. Criteria: Ambry Variant Classification Scheme 2023. Collection method: clinical testing. Allele origin: germline.
Comment: The p.M360I variant (also known as c.1080G>C), located in coding exon 7 of the MSH3 gene, results from a G to C substitution at nucleotide position 1080. The methionine at codon 360 is replaced by isoleucine, an amino acid with highly similar properties. This amino acid position is not well conserved in available vertebrate species. In addition, this alteration is predicted to be tolerated by in silico analysis. Since supporting evidence is limited at this time, the clinical significance of this alteration remains unclear.

Labcorp Genetics (formerly Invitae), Labcorp
Classification: Uncertain significance. Last evaluated: 2020-07-26. Review status: criteria provided, single submitter. Criteria: Invitae Variant Classification Sherloc (09022015). Collection method: clinical testing. Allele origin: germline.
Comment: This variant has not been reported in the literature in individuals with MSH3-related conditions. This variant is present in population databases (rs750148437, ExAC 0.004%). This sequence change replaces methionine with isoleucine at codon 360 of the MSH3 protein (p.Met360Ile). The methionine residue is moderately conserved and there is a small physicochemical difference between methionine and isoleucine. In summary, the available evidence is currently insufficient to determine the role of this variant in disease. Therefore, it has been classified as a Variant of Uncertain Significance. Algorithms developed to predict the effect of missense changes on protein structure and function output the following: SIFT: "Tolerated"; PolyPhen-2: "Benign"; Align-GVGD: "Class C0". The isoleucine amino acid residue is found in multiple mammalian species, suggesting that this missense change does not adversely affect protein function. These predictions have not been confirmed by published functional studies and their clinical significance is uncertain.

NM_002439.5(MSH3):c.1080G>C (p.Met360Ile)

Gene: MSH3 (mutS homolog 3; plus strand). Cytogenetic location: 5q14.1.
Variant type: single nucleotide variant.
Coding change: c.1080G>C on transcript NM_002439.5 (MANE Select); coding-DNA position 1080, G replaced by C.
Protein change: p.Met360Ile; replaces methionine 360 with isoleucine.
Molecular consequence: missense variant.
Genome position (GRCh38, 1-based): chr5:80,675,035, G>C. VCF-style: chr5-80675035-G-C. GRCh37 (hg19) VCF-style: chr5-79970854-G-C.
Other names: c.1080G>C (NM_002439.3); short protein forms M360I.
Identifiers: ClinVar variation 1002226 (VCV001002226.10), dbSNP rs750148437, ClinGen allele CA3327793.
Genomic context (GRCh38, chr5:80,675,035, plus strand): 5'-ATTATTAAATGTGAATCCCCTAATCAAGCTGGATGATGCTGTAAATGTTGATGAGATAAT[G>C]ACTGATACTTCTACCAGCTATCTTCTGTGCATCTCTGAAAATAAGGAAAATGTTAGGGAC-3'
Protein context (NP_002430.3, residues 350-370): LDDAVNVDEI[Met360Ile]TDTSTSYLLC